The following is an entry in ClinVar:

ClinVar aggregate classification (germline): Uncertain significance. Review status: criteria provided, multiple submitters, no conflicts (2 of 4 stars). 5 submissions from 5 submitters: Uncertain significance (5). Last evaluated 2021-12-06.

Conditions:
Cardiomyopathy (CMYO). Also called: Cardiomyopathies. Identifiers: Orphanet 167848, MedGen C0878544, MONDO:0004994, HP:0001638. Inheritance: Various modes of inheritance.

Allele frequency attached by ClinVar (database versions not stated): gnomAD exomes 0.00001 and 0.00002; ExAC 0.00002; gnomAD 0.00003; TOPMed 0.00003.
gnomAD v4.1: 20 of 1,612,336 alleles (0.0012%); highest among the groups gnomAD compares: South Asian, 0.0088%; no homozygotes.

Submissions (5):

Mayo Clinic Laboratories, Mayo Clinic
Classification: Uncertain significance. Last evaluated: 2021-12-06. Review status: criteria provided, single submitter. Criteria: ACMG Guidelines, 2015. Collection method: clinical testing. Allele origin: germline.

Revvity Omics, Revvity
Classification: Uncertain significance. Last evaluated: 2021-03-08. Review status: criteria provided, single submitter. Criteria: ACMG Guidelines, 2015. Collection method: clinical testing. Allele origin: germline.

Women's Health and Genetics/Laboratory Corporation of America, LabCorp
Classification: Uncertain significance. Last evaluated: 2020-11-02. Review status: criteria provided, single submitter. Criteria: LabCorp Variant Classification Summary - May 2015. Collection method: clinical testing. Allele origin: germline.
Comment: Variant summary: TTN c.40414C>T (p.Arg13472Cys) results in a non-conservative amino acid change located in the A- band region of the encoded protein sequence. Four of five in-silico tools predict a benign effect of the variant on protein function. The variant allele was found at a frequency of 2e-05 in 247604 control chromosomes. The available data on variant occurrences in the general population are insufficient to allow any conclusion about variant significance. To our knowledge, no occurrence of c.40414C>T in individuals affected with Dilated Cardiomyopathy and no experimental evidence demonstrating its impact on protein function have been reported. One clinical diagnostic laboratory has submitted clinical-significance assessments for this variant to ClinVar after 2014 without evidence for independent evaluation, citing the variant as uncertain significance. Based on the evidence outlined above, the variant was classified as uncertain significance.

CHEO Genetics Diagnostic Laboratory, Children's Hospital of Eastern Ontario
Classification: Uncertain significance for Cardiomyopathy. Last evaluated: 2017-11-30. Review status: criteria provided, single submitter. Criteria: ACMG Guidelines, 2015. Collection method: clinical testing. Allele origin: germline.

Biesecker Lab/Clinical Genomics Section, National Institutes of Health
Classification: Uncertain significance. Last evaluated: 2013-06-24. Review status: criteria provided, single submitter. Criteria: Ng et al. (Circ Cardiovasc Genet. 2013). Collection method: research. Allele origin: unknown. Observed: 1 variant allele. Study: ClinSeq.
Comment: The study set was not selected for affection status in relation to any cancer. Pathogenicity categories were based on literature curation. See Pubmed ID:23861362 for details.

Medical sequencing

NM_001267550.2(TTN):c.48118C>T (p.Arg16040Cys)

Genes: TTN (titin; minus strand), TTN-AS1 (TTN antisense RNA 1; plus strand). Cytogenetic location: 2q31.2.
Variant type: single nucleotide variant.
Coding change: c.48118C>T on transcript NM_001267550.2 (MANE Select); coding-DNA position 48118, C replaced by T.
Protein change: p.Arg16040Cys; replaces arginine 16040 with cysteine.
Molecular consequence: missense variant.
Genome position (GRCh38, 1-based): chr2:178,616,771, G>A on the plus strand (C>T on the coding strand, the complement: TTN is on the minus strand). VCF-style: chr2-178616771-G-A. GRCh37 (hg19) VCF-style: chr2-179481498-G-A.
Other names: p.Arg14399Cys; c.43195C>T, p.Arg14399Cys (NM_001256850.1); c.20923C>T, p.Arg6975Cys (NM_003319.4); c.40414C>T, p.Arg13472Cys (NM_133378.4); c.21298C>T, p.Arg7100Cys (NM_133432.3); c.21499C>T, p.Arg7167Cys (NM_133437.4); short protein forms R13472C, R16040C, R7100C, R6975C, R7167C, R14399C.
Identifiers: ClinVar variation 191955 (VCV000191955.11), dbSNP rs774736458, ClinGen allele CA237957.